The following is an entry in ClinVar:

NM_000135.4(FANCA):c.2860T>A (p.Phe954Ile)

Gene: FANCA (FA complementation group A; minus strand). Cytogenetic location: 16q24.3.
Variant type: single nucleotide variant.
Coding change: c.2860T>A on transcript NM_000135.4 (MANE Select); coding-DNA position 2860, T replaced by A.
Protein change: p.Phe954Ile; replaces phenylalanine 954 with isoleucine.
Molecular consequence: missense variant.
Genome position (GRCh38, 1-based): chr16:89,758,698, A>T on the plus strand (T>A on the coding strand, the complement: FANCA is on the minus strand). VCF-style: chr16-89758698-A-T. GRCh37 (hg19) VCF-style: chr16-89825106-A-T.
Other names: c.2860T>A, p.Phe954Ile (NM_001286167.3); short protein forms F954I.
Identifiers: ClinVar variation 2741312 (VCV002741312.5), dbSNP rs2544157065, ClinGen allele CA397431581.
Genomic context (GRCh38, chr16:89,758,698, plus strand): 5'-CACAGCCCCCTGAAGCCGAGGACTCAGGGAGAAAGTGCTCATGGATCGCCCACTGGTGGA[A>T]GTCCTGCCTAGAACAGCAAACACTGCTATCAATTCTGAGAAATGCTTCGTGGCCAGCGGT-3'
Protein context (NP_000126.2, residues 944-964): DALSDTERQD[Phe954Ile]HQWAIHEHFL

ClinVar aggregate classification (germline): Conflicting classifications of pathogenicity. Review status: criteria provided, conflicting classifications (1 of 4 stars). 3 submissions from 3 submitters: Pathogenic (1); Uncertain significance (2). Last evaluated 2025-07-09.

Conditions:
Fanconi anemia (FA). Also called: Fanconi's anemia. Identifiers: Orphanet 84, MedGen C0015625, MeSH D005199, MONDO:0019391.
Fanconi anemia complementation group A (FANCA). Also called: FANCA-Related Fanconi Anemia; Fanconi anemia, group A. Identifiers: Orphanet 84, MedGen C3469521, MONDO:0009215, OMIM 227650.

Allele frequency attached by ClinVar (database versions not stated): gnomAD exomes below 0.00001.

Submissions (3):

Women's Health and Genetics/Laboratory Corporation of America, LabCorp
Classification: Uncertain significance. Last evaluated: 2025-07-09. Review status: criteria provided, single submitter. Criteria: LabCorp Variant Classification Summary - May 2015. Collection method: clinical testing. Allele origin: germline.
Comment: Variant summary: FANCA c.2860T>A (p.Phe954Ile) results in a non-conservative amino acid change in the encoded protein sequence. Algorithms developed to predict the effect of missense changes on protein structure and function all suggest that this variant is likely to be disruptive. The variant was absent in 251204 control chromosomes (gnomAD). The available data on variant occurrences in the general population are insufficient to allow any conclusion about variant significance. c.2860T>A has been observed in individuals affected with Fanconi Anemia (Kimble_2018, Altintas_2023). These data do not allow any conclusion about variant significance. To our knowledge, no experimental evidence demonstrating an impact on protein function has been reported. The following publications have been ascertained in the context of this evaluation (PMID: 29098742, 35417938). ClinVar contains an entry for this variant (Variation ID: 2741312). Based on the evidence outlined above, the variant was classified as uncertain significance.

Labcorp Genetics (formerly Invitae), Labcorp
Classification: Uncertain significance for Fanconi anemia. Last evaluated: 2024-02-17. Review status: criteria provided, single submitter. Criteria: Invitae Variant Classification Sherloc (09022015). Collection method: clinical testing. Allele origin: germline.
Comment: This sequence change replaces phenylalanine, which is neutral and non-polar, with isoleucine, which is neutral and non-polar, at codon 954 of the FANCA protein (p.Phe954Ile). This variant is not present in population databases (gnomAD no frequency). This missense change has been observed in individual(s) with Fanconi anemia (PMID: 29098742). Advanced modeling of protein sequence and biophysical properties (such as structural, functional, and spatial information, amino acid conservation, physicochemical variation, residue mobility, and thermodynamic stability) performed at Invitae indicates that this missense variant is expected to disrupt FANCA protein function with a positive predictive value of 80%. In summary, the available evidence is currently insufficient to determine the role of this variant in disease. Therefore, it has been classified as a Variant of Uncertain Significance.

Baylor Genetics
Classification: Pathogenic for Fanconi anemia complementation group A. Last evaluated: 2023-11-22. Review status: criteria provided, single submitter. Criteria: ACMG Guidelines, 2015. Collection method: clinical testing. Allele origin: unknown.

Literature cited by the submitters: PubMed 29098742 (cited by Women's Health and Genetics/Laboratory Corporation of America, LabCorp and Labcorp Genetics (formerly Invitae), Labcorp); PubMed 35417938 (cited by Women's Health and Genetics/Laboratory Corporation of America, LabCorp).